The following is an entry in ClinVar:

ClinVar aggregate classification (germline): Uncertain significance. Review status: criteria provided, multiple submitters, no conflicts (2 of 4 stars). 2 submissions from 2 submitters: Uncertain significance (2). Last evaluated 2026-04-16.

Conditions:
Hereditary spastic paraplegia 8 (SPG8). Also called: SPASTIC PARAPLEGIA 8, AUTOSOMAL DOMINANT. Identifiers: Orphanet 100989, MedGen C1863704, MONDO:0011339, OMIM 603563.
Ritscher-Schinzel syndrome. Also called: CRANIOCEREBELLOCARDIAC DYSPLASIA. Identifiers: Orphanet 7, MedGen C0796137, MONDO:0019078.

Submissions (2):

Victorian Clinical Genetics Services, Murdoch Childrens Research Institute
Classification: Uncertain significance for Hereditary spastic paraplegia 8. Last evaluated: 2026-04-16. Review status: criteria provided, single submitter. Criteria: ACMG Guidelines, 2015. Collection method: clinical testing. Allele origin: germline. Affected: yes.
Comment: This variant is classified as VUS-3B. Evidence in support of pathogenic classification: Variant is present in gnomAD <0.01 (v4: 27 heterozygote(s), 0 homozygote(s)); Missense variant predicted to be damaging by in silico tool(s) or highly conserved with a major amino acid change. Additional information: Variant is predicted to result in a missense amino acid change from Arg to Gln; This variant is heterozygous; This gene is associated with autosomal dominant disease. In addition, autosomal recessive Ritscher-Schinzel syndrome 1 (MIM#220210) has been associated mainly with homozygous founder splice site variants (PMIDs: 24065355, 36130690); Alternative amino acid change(s) at the same position are present in gnomAD (highest allele count: v4: 1 heterozygote(s), 0 homozygote(s)); Previous evidence of pathogenicity for this variant is inconclusive. It has been classified as VUS by clinical laboratories in ClinVar; No published evidence of segregation with disease has been identified for this variant; No published functional evidence has been identified for this variant; No comparable missense variants have previous evidence for pathogenicity; Variant is located in the annotated strumpellin domain (DECIPHER); The mechanism of disease for this gene is not clearly established. However, gain of function and dominant negative have been suggested as the mechanism for missense variants associated with spastic paraplegia 8, autosomal dominant (MIM#603563) (PMIDs: 31911435, 25614869). Loss of function has been suggested as the mechanism for Ritscher-Schinzel syndrome 1 (MIM#220210) (PMID: 24065355); Inheritance information for this variant is not currently available in this individual.

Labcorp Genetics (formerly Invitae), Labcorp
Classification: Uncertain significance for Ritscher-Schinzel syndrome; Hereditary spastic paraplegia 8. Last evaluated: 2025-01-24. Review status: criteria provided, single submitter. Criteria: Invitae Variant Classification Sherloc (09022015). Collection method: clinical testing. Allele origin: germline.
Comment: This sequence change replaces arginine, which is basic and polar, with glutamine, which is neutral and polar, at codon 528 of the WASHC5 protein (p.Arg528Gln). This variant is present in population databases (rs748436437, gnomAD 0.006%). This variant has not been reported in the literature in individuals affected with WASHC5-related conditions. Invitae Evidence Modeling of protein sequence and biophysical properties (such as structural, functional, and spatial information, amino acid conservation, physicochemical variation, residue mobility, and thermodynamic stability) indicates that this missense variant is not expected to disrupt WASHC5 protein function with a negative predictive value of 80%. In summary, the available evidence is currently insufficient to determine the role of this variant in disease. Therefore, it has been classified as a Variant of Uncertain Significance.

Literature cited by the submitters: PubMed 36130690 (cited by Victorian Clinical Genetics Services, Murdoch Childrens Research Institute); PubMed 25614869 (cited by Victorian Clinical Genetics Services, Murdoch Childrens Research Institute); PubMed 31911435 (cited by Victorian Clinical Genetics Services, Murdoch Childrens Research Institute); PubMed 24065355 (cited by Victorian Clinical Genetics Services, Murdoch Childrens Research Institute).

NM_014846.4(WASHC5):c.1583G>A (p.Arg528Gln)

Gene: WASHC5 (WASH complex subunit 5; minus strand). Cytogenetic location: 8q24.13.
Variant type: single nucleotide variant.
Coding change: c.1583G>A on transcript NM_014846.4 (MANE Select); coding-DNA position 1583, G replaced by A.
Protein change: p.Arg528Gln; replaces arginine 528 with glutamine.
Molecular consequence: missense variant.
Genome position (GRCh38, 1-based): chr8:125,059,481, C>T on the plus strand (G>A on the coding strand, the complement: WASHC5 is on the minus strand). VCF-style: chr8-125059481-C-T. GRCh37 (hg19) VCF-style: chr8-126071723-C-T.
Other names: c.1139G>A, p.Arg380Gln (NM_001330609.2); short protein forms R380Q, R528Q.
Identifiers: ClinVar variation 3760665 (VCV003760665.3).